The following is an entry in ClinVar:

NM_000245.4(MET):c.3250A>G (p.Ile1084Val)

Gene: MET (MET proto-oncogene, receptor tyrosine kinase; plus strand). Cytogenetic location: 7q31.2.
Variant type: single nucleotide variant.
Coding change: c.3250A>G on transcript NM_000245.4 (MANE Select); coding-DNA position 3250, A replaced by G.
Protein change: p.Ile1084Val; replaces isoleucine 1084 with valine.
Molecular consequence: missense variant.
Genome position (GRCh38, 1-based): chr7:116,775,102, A>G. VCF-style: chr7-116775102-A-G. GRCh37 (hg19) VCF-style: chr7-116415156-A-G.
Other names: c.3304A>G (LRG_662t1); c.3304A>G, p.Ile1102Val (NM_001127500.3); c.1960A>G, p.Ile654Val (NM_001324402.2); short protein forms I1102V, I1084V, I654V.
Identifiers: ClinVar variation 480853 (VCV000480853.13), dbSNP rs757539632, ClinGen allele CA4448668.
Genomic context (GRCh38, chr7:116,775,102, plus strand): 5'-CAGGCAGTGCAGCATGTAGTGATTGGGCCCAGTAGCCTGATTGTGCATTTCAATGAAGTC[A>G]TAGGAAGAGGTAAGTATTTCCACTCAGCTTTTTGTTAAATACGATTTTCCAGTAAGCATT-3'
Protein context (NP_000236.2, residues 1074-1094): SSLIVHFNEV[Ile1084Val]GRGHFGCVYH

ClinVar aggregate classification (germline): Uncertain significance. Review status: criteria provided, multiple submitters, no conflicts (2 of 4 stars). 2 submissions from 2 submitters: Uncertain significance (2). Last evaluated 2025-02-04.

Conditions:
Renal cell carcinoma. Identifiers: Orphanet 217071, MedGen C0007134, MeSH D002292, MONDO:0005086, HP:0005584.
Hereditary cancer-predisposing syndrome. Also called: Hereditary Cancer Syndrome; Neoplastic Syndromes, Hereditary; Tumor predisposition; Hereditary neoplastic syndrome. Identifiers: Orphanet 140162, MedGen C0027672, MeSH D009386, MONDO:0015356.

Allele frequency attached by ClinVar (database versions not stated): ExAC 0.00001; gnomAD 0.00001; gnomAD exomes 0.00001.
gnomAD v4.1: 8 of 1,614,018 alleles (0.0005%); highest among the groups gnomAD compares: Middle Eastern, 0.016%; no homozygotes.

Submissions (2):

Ambry Genetics
Classification: Uncertain significance for Hereditary cancer-predisposing syndrome. Last evaluated: 2025-02-04. Review status: criteria provided, single submitter. Criteria: Ambry Variant Classification Scheme 2023. Collection method: clinical testing. Allele origin: germline.
Comment: The p.I1102V variant (also known as c.3304A>G), located in coding exon 14 of the MET gene, results from an A to G substitution at nucleotide position 3304. The isoleucine at codon 1102 is replaced by valine, an amino acid with highly similar properties. This amino acid position is highly conserved in available vertebrate species. In addition, the in silico prediction for this alteration is inconclusive. Since supporting evidence is limited at this time, the clinical significance of this alteration remains unclear.

Labcorp Genetics (formerly Invitae), Labcorp
Classification: Uncertain significance for Renal cell carcinoma. Last evaluated: 2025-02-02. Review status: criteria provided, single submitter. Criteria: Invitae Variant Classification Sherloc (09022015). Collection method: clinical testing. Allele origin: germline.
Comment: This sequence change replaces isoleucine, which is neutral and non-polar, with valine, which is neutral and non-polar, at codon 1102 of the MET protein (p.Ile1102Val). This variant is present in population databases (rs757539632, gnomAD 0.006%). This variant has not been reported in the literature in individuals affected with MET-related conditions. ClinVar contains an entry for this variant (Variation ID: 480853). Invitae Evidence Modeling of protein sequence and biophysical properties (such as structural, functional, and spatial information, amino acid conservation, physicochemical variation, residue mobility, and thermodynamic stability) indicates that this missense variant is expected to disrupt MET protein function with a positive predictive value of 80%. In summary, the available evidence is currently insufficient to determine the role of this variant in disease. Therefore, it has been classified as a Variant of Uncertain Significance.